The following is an entry in ClinVar:

ClinVar aggregate classification (germline): Likely pathogenic (1 of 4 stars; one submission).

Conditions:
Mucopolysaccharidosis, MPS-IV-A (MPS4A). Also called: Morquio syndrome A, mild; MORQUIO SYNDROME A; GALACTOSAMINE-6-SULFATASE DEFICIENCY; GALNS DEFICIENCY; MORQUIO A DISEASE; Mucopolysaccharidosis type IV A. Identifiers: Orphanet 309297, Orphanet 582, MedGen C0086651, MONDO:0009659, OMIM 253000.

Submission:

MVZ Medizinische Genetik Mainz
Classification: Likely pathogenic for Mucopolysaccharidosis, MPS-IV-A. Last evaluated: 2024-07-01. Review status: criteria provided, single submitter. Criteria: UK Practice Guidelines For Variant Classification V4 01 2020. Collection method: clinical testing. Allele origin: germline. Inheritance: Autosomal recessive inheritance. Affected: yes. Observed: 1 variant allele.
Comment: ACMG Criteria: PP3_STR,PM5,PM2_SUP

NM_000512.5(GALNS):c.1520G>A (p.Cys507Tyr)

Gene: GALNS (galactosamine (N-acetyl)-6-sulfatase; minus strand). Cytogenetic location: 16q24.3.
Variant type: single nucleotide variant.
Coding change: c.1520G>A on transcript NM_000512.5 (MANE Select); coding-DNA position 1520, G replaced by A.
Protein change: p.Cys507Tyr; replaces cysteine 507 with tyrosine.
Molecular consequence: missense variant.
Genome position (GRCh38, 1-based): chr16:88,814,488, C>T on the plus strand (G>A on the coding strand, the complement: GALNS is on the minus strand). VCF-style: chr16-88814488-C-T. GRCh37 (hg19) VCF-style: chr16-88880896-C-T.
Other names: c.965G>A, p.Cys322Tyr (NM_001323543.2); c.1538G>A, p.Cys513Tyr (NM_001323544.2); short protein forms C322Y, C507Y, C513Y.
Identifiers: ClinVar variation 3256881 (VCV003256881.1).
Genomic context (GRCh38, chr16:88,814,488, plus strand): 5'-CTGCGCAGGTGCTAGTGGGACCAGAGGCACTTCTTGGGAATGGATTCTGGAGGTGTCAGA[C>T]ACTTCCCTAACTTTTCACAGCCCGGAGGTGCCCAGTTCTGGGAAATGAAAATTGAGAAAA-3'
Protein context (NP_000503.1, residues 497-517): APPGCEKLGK[Cys507Tyr]LTPPESIPKK